The following is an entry in ClinVar:

NM_005475.3(SH2B3):c.376C>T (p.Pro126Ser)

Gene: SH2B3 (SH2B adaptor protein 3; plus strand). Cytogenetic location: 12q24.12.
Variant type: single nucleotide variant.
Coding change: c.376C>T on transcript NM_005475.3 (MANE Select); coding-DNA position 376, C replaced by T.
Protein change: p.Pro126Ser; replaces proline 126 with serine.
Molecular consequence: missense variant.
Genome position (GRCh38, 1-based): chr12:111,418,521, C>T. VCF-style: chr12-111418521-C-T. GRCh37 (hg19) VCF-style: chr12-111856325-C-T.
Other names: short protein forms P126S.
Identifiers: ClinVar variation 3795074 (VCV003795074.1).

ClinVar aggregate classification (germline): Uncertain significance (1 of 4 stars; one submission).

Conditions:
Inborn genetic diseases. Identifiers: MedGen C0950123, MeSH D030342.

Submission:

Ambry Genetics
Classification: Uncertain significance for Inborn genetic diseases. Last evaluated: 2025-01-05. Review status: criteria provided, single submitter. Criteria: Ambry Variant Classification Scheme 2023. Collection method: clinical testing. Allele origin: germline.
Comment: The p.P126S variant (also known as c.376C>T), located in coding exon 1 of the SH2B3 gene, results from a C to T substitution at nucleotide position 376. The proline at codon 126 is replaced by serine, an amino acid with similar properties. This amino acid position is conserved. In addition, this alteration is predicted to be tolerated by in silico analysis. Based on the available evidence, the clinical significance of this variant remains unclear.